The following continues an entry in ClinVar:

NM_014946.4(SPAST):c.1245+1G>A

Gene: SPAST. ClinVar aggregate classification (germline): Pathogenic. Pathogenic (17).

Submissions 13 to 19 of 19:

Ambry Genetics
Classification: Pathogenic for Inborn genetic diseases. Last evaluated: 2019-09-27. Review status: criteria provided, single submitter. Criteria: Ambry exome assertion method (8-5-2015). Collection method: clinical testing. Allele origin: germline. Affected: yes. Observed: 1 variant allele.

Equipe Genetique des Anomalies du Developpement, Université de Bourgogne
Classification: Pathogenic for Hereditary spastic paraplegia 4. Last evaluated: 2019-07-24. Review status: criteria provided, single submitter. Criteria: ACMG Guidelines, 2015. Collection method: clinical testing. Allele origin: unknown. Affected: yes.

Genome Diagnostics Laboratory, The Hospital for Sick Children
Classification: Pathogenic for Hereditary spastic paraplegia. Last evaluated: 2016-12-12. Review status: criteria provided, single submitter. Criteria: ACMG Guidelines, 2015. Collection method: clinical testing. Allele origin: germline. Affected: yes.

Center of Genomic medicine, Geneva, University Hospital of Geneva
Classification: Pathogenic for Hereditary spastic paraplegia 4. Last evaluated: 2016-02-19. Review status: criteria provided, single submitter. Criteria: ACMG Guidelines, 2015. Collection method: clinical testing. Allele origin: paternal. Affected: yes. Observed: 2 variant alleles.

Paris Brain Institute, Inserm - ICM
Classification: Pathogenic for Hereditary spastic paraplegia 4. Review status: criteria provided, single submitter. Criteria: ACMG Guidelines, 2015. Collection method: clinical testing. Allele origin: unknown. Affected: yes. Observed: 4 variant alleles.

Solve-RD Consortium
Classification: Likely pathogenic for Hereditary spastic paraplegia 4. Last evaluated: 2022-06-01. Review status: no assertion criteria provided. Collection method: provider interpretation. Allele origin: inherited. Affected: yes. Not counted in ClinVar's aggregate classification.
Comment: Variant confirmed as disease-causing by referring clinical team

Variant identified during reanalysis of unsolved cases by the Solve-RD project. The Solve-RD project has received funding from the European Union’s Horizon 2020 research and innovation programme under grant agreement No 779257.

Istituto Neurologico Mediterraneo, Istituto di Ricovero e Cura a Carattere Scientifico
Classification: Pathogenic for Hereditary spastic paraplegia 4. Review status: no assertion criteria provided. Collection method: clinical testing. Allele origin: somatic. Inheritance: Autosomal dominant inheritance. Affected: yes. Observed: 1 variant allele, 1 heterozygote. Not counted in ClinVar's aggregate classification.

Literature cited by the submitters: PubMed 11309678 (cited by 7 submitters); PubMed 22552817 (cited by 4 submitters); PubMed 22960362 (cited by 6 submitters); PubMed 26600529 (cited by 5 submitters); PubMed 21834905 (cited by Molecular Genetics, Royal Melbourne Hospital and Women's Health and Genetics/Laboratory Corporation of America, LabCorp); PubMed 26094131 (cited by Molecular Genetics, Royal Melbourne Hospital); PubMed 31630374 (cited by 3 submitters); PubMed 29934652 (cited by Athena Diagnostics and Mayo Clinic Laboratories, Mayo Clinic); PubMed 19875132 (cited by 3 submitters); PubMed 16240363 (cited by Athena Diagnostics and Mayo Clinic Laboratories, Mayo Clinic); PubMed 27334366 (cited by Athena Diagnostics and Mayo Clinic Laboratories, Mayo Clinic); PubMed 20562464 (cited by Athena Diagnostics and Ambry Genetics); PubMed 18701882 (cited by Athena Diagnostics and Ambry Genetics); PubMed 12161613 (cited by Athena Diagnostics and Ambry Genetics); PubMed 29980238 (cited by Mayo Clinic Laboratories, Mayo Clinic); PubMed 31227335 (cited by Mayo Clinic Laboratories, Mayo Clinic); PubMed 31594988 (cited by Mayo Clinic Laboratories, Mayo Clinic); PubMed 39825153 (cited by Solve-RD Consortium).